The following is an entry in ClinVar:

NM_182914.3(SYNE2):c.17197A>G (p.Ser5733Gly)

Gene: SYNE2 (spectrin repeat containing nuclear envelope protein 2; plus strand). Cytogenetic location: 14q23.2.
Variant type: single nucleotide variant.
Coding change: c.17197A>G on transcript NM_182914.3 (MANE Select); coding-DNA position 17197, A replaced by G.
Protein change: p.Ser5733Gly; replaces serine 5733 with glycine.
Molecular consequence: missense variant.
Genome position (GRCh38, 1-based): chr14:64,170,424, A>G. VCF-style: chr14-64170424-A-G. GRCh37 (hg19) VCF-style: chr14-64637142-A-G.
Other names: c.17197A>G, p.Ser5733Gly (NM_015180.6); short protein forms S5733G.
Identifiers: ClinVar variation 3631420 (VCV003631420.2).
Genomic context (GRCh38, chr14:64,170,424, plus strand): 5'-TTTCGCTTCCTCACTGACACCAGCCACCTGCTATCTGCAGTGAAGGGCCAGGAGCGCTTC[A>G]GCCTCTACCAAACCAGAAGTCTGATCCATGAGCTGAAGGTAGTGTATGCATCGTAGCAGT-3'
Protein context (NP_878918.2, residues 5723-5743): LSAVKGQERF[Ser5733Gly]LYQTRSLIHE

ClinVar aggregate classification (germline): Uncertain significance (1 of 4 stars; one submission).

Conditions:
Emery-Dreifuss muscular dystrophy 5, autosomal dominant (EDMD5). Also called: EMERY-DREIFUSS MUSCULAR DYSTROPHY 5. Identifiers: Orphanet 261, MedGen C2751805, MONDO:0013072, OMIM 612999.

gnomAD v4.1: 1 of 1,613,910 alleles (0.000062%); highest among the groups gnomAD compares: African/African-American, 0.0013%; no homozygotes.

Submission:

Labcorp Genetics (formerly Invitae), Labcorp
Classification: Uncertain significance for Emery-Dreifuss muscular dystrophy 5, autosomal dominant. Last evaluated: 2024-12-12. Review status: criteria provided, single submitter. Criteria: Invitae Variant Classification Sherloc (09022015). Collection method: clinical testing. Allele origin: germline.
Comment: This sequence change replaces serine, which is neutral and polar, with glycine, which is neutral and non-polar, at codon 5733 of the SYNE2 protein (p.Ser5733Gly). This variant is not present in population databases (gnomAD no frequency). This variant has not been reported in the literature in individuals affected with SYNE2-related conditions. An algorithm developed to predict the effect of missense changes on protein structure and function outputs the following: PolyPhen-2: "Benign". The glycine amino acid residue is found in multiple mammalian species, which suggests that this missense change does not adversely affect protein function. In summary, the available evidence is currently insufficient to determine the role of this variant in disease. Therefore, it has been classified as a Variant of Uncertain Significance.